The following is an entry in ClinVar:

ClinVar aggregate classification (germline): Conflicting classifications of pathogenicity. Review status: criteria provided, conflicting classifications (1 of 4 stars). 2 submissions from 2 submitters: Likely pathogenic (1); Uncertain significance (1). Last evaluated 2023-04-13.

Conditions:
DYRK1A-related intellectual disability syndrome (MRD7). Also called: Intellectual developmental disorder, autosomal dominant 7; DYRK1A Syndrome. Identifiers: Orphanet 464306, MedGen C5568143, MONDO:0013578, OMIM 614104.
DYRK1A-related disorder.

Submissions (2):

PreventionGenetics, part of Exact Sciences
Classification: Likely pathogenic for DYRK1A-related condition. Last evaluated: 2023-04-13. Review status: criteria provided, single submitter. Criteria: ACMG Guidelines, 2015. Collection method: clinical testing. Allele origin: germline.
Comment: The DYRK1A c.821T>C variant is predicted to result in the amino acid substitution p.Leu274Pro. To our knowledge, this variant has not been reported in the literature or in a large population database, indicating this variant is rare. This variant is interpreted as likely pathogenic.

University of Washington Department of Laboratory Medicine, University of Washington
Classification: Uncertain significance for DYRK1A-related intellectual disability syndrome. Last evaluated: 2021-11-24. Review status: criteria provided, single submitter. Criteria: ACMG Guidelines, 2015. Collection method: clinical testing. Allele origin: unknown. Affected: yes.
Comment: The p.Leu274Pro variant in the DYRK1A gene has not been previously reported in association with disease and was absent from large population databases, including the Genome Aggregation Database. In silico tools predict that the p.Leu274Pro variant is deleterious; however, these predictions have not been tested directly. Using ACMG guidelines, this variant was classified as a variant of uncertain significance (ACMG evidence codes used: PM2_supporting, PP3).

NM_001347721.2(DYRK1A):c.794T>C (p.Leu265Pro)

Gene: DYRK1A (dual specificity tyrosine phosphorylation regulated kinase 1A; plus strand). Cytogenetic location: 21q22.13.
Variant type: single nucleotide variant.
Coding change: c.794T>C on transcript NM_001347721.2 (MANE Select); coding-DNA position 794, T replaced by C.
Protein change: p.Leu265Pro; replaces leucine 265 with proline.
Molecular consequence: missense variant.
Genome position (GRCh38, 1-based): chr21:37,490,331, T>C. VCF-style: chr21-37490331-T-C. GRCh37 (hg19) VCF-style: chr21-38862633-T-C.
Other names: c.794T>C, p.Leu265Pro (NM_001347722.2, NM_130436.2); c.707T>C, p.Leu236Pro (NM_001347723.2); c.821T>C, p.Leu274Pro (NM_001396.5, NM_101395.2, NM_130438.2); short protein forms L236P, L265P, L274P.
Identifiers: ClinVar variation 2633661 (VCV002633661.2), dbSNP rs2518028252, ClinGen allele CA409947634.
Genomic context (GRCh38, chr21:37,490,331, plus strand): 5'-TCCGAGGGGTCTCTTTGAACCTAACACGAAAGTTTGCGCAACAGATGTGCACTGCACTGC[T>C]TTTCCTTGCGACTCCAGAACTTAGTATCATTCACTGTGATCTAAAACCTGAAAATATCCT-3'
Protein context (NP_001334650.1, residues 255-275): KFAQQMCTAL[Leu265Pro]FLATPELSII